The following is an entry in ClinVar:

NM_005802.5(TOPORS):c.2701G>C (p.Ala901Pro)

Gene: TOPORS (TOP1 binding arginine/serine rich protein, E3 ubiquitin ligase; minus strand). Cytogenetic location: 9p21.1.
Variant type: single nucleotide variant.
Coding change: c.2701G>C on transcript NM_005802.5 (MANE Select); coding-DNA position 2701, G replaced by C.
Protein change: p.Ala901Pro; replaces alanine 901 with proline.
Molecular consequence: missense variant.
Genome position (GRCh38, 1-based): chr9:32,541,824, C>G on the plus strand (G>C on the coding strand, the complement: TOPORS is on the minus strand). VCF-style: chr9-32541824-C-G. GRCh37 (hg19) VCF-style: chr9-32541822-C-G.
Other names: c.2701G>C (NM_005802.4); c.2506G>C, p.Ala836Pro (NM_001195622.2); short protein forms A901P, A836P.
Identifiers: ClinVar variation 2826342 (VCV002826342.4), dbSNP rs748187522, ClinGen allele CA5020320.

ClinVar aggregate classification (germline): Uncertain significance. Review status: criteria provided, multiple submitters, no conflicts (2 of 4 stars). 2 submissions from 2 submitters: Uncertain significance (2). Last evaluated 2025-03-27.

Conditions:
Inborn genetic diseases. Identifiers: MedGen C0950123, MeSH D030342.

Allele frequency attached by ClinVar (database versions not stated): ExAC 0.00001; gnomAD 0.00001; TOPMed 0.00001.
gnomAD v4.1: 5 of 1,614,042 alleles (0.00031%); highest among the groups gnomAD compares: African/African-American, 0.0027%; no homozygotes.

Submissions (2):

Ambry Genetics
Classification: Uncertain significance for Inborn genetic diseases. Last evaluated: 2025-03-27. Review status: criteria provided, single submitter. Criteria: Ambry Variant Classification Scheme 2023. Collection method: clinical testing. Allele origin: germline.

Labcorp Genetics (formerly Invitae), Labcorp
Classification: Uncertain significance. Last evaluated: 2023-01-05. Review status: criteria provided, single submitter. Criteria: Invitae Variant Classification Sherloc (09022015). Collection method: clinical testing. Allele origin: germline.
Comment: This variant is present in population databases (rs748187522, gnomAD 0.003%). In summary, the available evidence is currently insufficient to determine the role of this variant in disease. Therefore, it has been classified as a Variant of Uncertain Significance. Algorithms developed to predict the effect of missense changes on protein structure and function output the following: SIFT: "Tolerated"; PolyPhen-2: "Not Available"; Align-GVGD: "Class C0". The proline amino acid residue is found in multiple mammalian species, which suggests that this missense change does not adversely affect protein function. This variant has not been reported in the literature in individuals affected with TOPORS-related conditions. This sequence change replaces alanine, which is neutral and non-polar, with proline, which is neutral and non-polar, at codon 901 of the TOPORS protein (p.Ala901Pro).